The following is an entry in ClinVar:

ClinVar aggregate classification (germline): Uncertain significance (1 of 4 stars; one submission).

Conditions:
Brown-Vialetto-van Laere syndrome 1. Also called: BROWN-VIALETTO-VAN LAERE SYNDROME 1, MILD; BULBAR PALSY, PROGRESSIVE, WITH SENSORINEURAL DEAFNESS; PONTOBULBAR PALSY WITH DEAFNESS. Identifiers: Orphanet 572550, Orphanet 97229, MedGen C0796274, MONDO:0024537, OMIM 211530.

Allele frequency attached by ClinVar (database versions not stated): gnomAD exomes below 0.00001.

Submission:

Labcorp Genetics (formerly Invitae), Labcorp
Classification: Uncertain significance for Brown-Vialetto-van Laere syndrome 1. Last evaluated: 2021-03-28. Review status: criteria provided, single submitter. Criteria: Invitae Variant Classification Sherloc (09022015). Collection method: clinical testing. Allele origin: germline.
Comment: In summary, the available evidence is currently insufficient to determine the role of this variant in disease. Therefore, it has been classified as a Variant of Uncertain Significance. Algorithms developed to predict the effect of missense changes on protein structure and function (SIFT, PolyPhen-2, Align-GVGD) all suggest that this variant is likely to be tolerated, but these predictions have not been confirmed by published functional studies and their clinical significance is uncertain. This variant has not been reported in the literature in individuals with SLC52A3-related conditions. This variant is not present in population databases (ExAC no frequency). This sequence change replaces methionine with threonine at codon 380 of the SLC52A3 protein (p.Met380Thr). The methionine residue is moderately conserved and there is a moderate physicochemical difference between methionine and threonine.

NM_033409.4(SLC52A3):c.1139T>C (p.Met380Thr)

Gene: SLC52A3 (solute carrier family 52 member 3; minus strand). Cytogenetic location: 20p13.
Variant type: single nucleotide variant.
Coding change: c.1139T>C on transcript NM_033409.4 (MANE Select); coding-DNA position 1139, T replaced by C.
Protein change: p.Met380Thr; replaces methionine 380 with threonine.
Molecular consequence: missense variant.
Genome position (GRCh38, 1-based): chr20:761,759, A>G on the plus strand (T>C on the coding strand, the complement: SLC52A3 is on the minus strand). VCF-style: chr20-761759-A-G. GRCh37 (hg19) VCF-style: chr20-742403-A-G.
Other names: c.1139T>C, p.Met380Thr (NM_001370085.1, NM_001370086.1); short protein forms M380T.
Identifiers: ClinVar variation 1348501 (VCV001348501.8), dbSNP rs2122509404, ClinGen allele CA407962364.